The following is an entry in ClinVar:

NM_001127222.2(CACNA1A):c.6240C>G (p.His2080Gln)

Gene: CACNA1A (calcium voltage-gated channel subunit alpha1 A; minus strand). Cytogenetic location: 19p13.13.
Variant type: single nucleotide variant.
Coding change: c.6240C>G on transcript NM_001127222.2 (MANE Select); coding-DNA position 6240, C replaced by G.
Protein change: p.His2080Gln; replaces histidine 2080 with glutamine.
Molecular consequence: missense variant.
Genome position (GRCh38, 1-based): chr19:13,212,166, G>C on the plus strand (C>G on the coding strand, the complement: CACNA1A is on the minus strand). VCF-style: chr19-13212166-G-C. GRCh37 (hg19) VCF-style: chr19-13322980-G-C.
Other names: c.6258C>G, p.His2086Gln (NM_000068.4, NM_023035.3); c.6243C>G, p.His2081Gln (NM_001127221.2); c.6249C>G, p.His2083Gln (NM_001174080.2); short protein forms H2083Q, H2086Q, H2081Q, H2080Q.
Identifiers: ClinVar variation 937827 (VCV000937827.10), dbSNP rs2054835310, ClinGen allele CA404332335.

ClinVar aggregate classification (germline): Uncertain significance (1 of 4 stars; one submission).

Conditions:
Developmental and epileptic encephalopathy, 42 (DEE42A). Also called: DEVELOPMENTAL AND EPILEPTIC ENCEPHALOPATHY 42A; EPILEPTIC ENCEPHALOPATHY, EARLY INFANTILE, 42A; Epileptic encephalopathy, early infantile, 42. Identifiers: MedGen C4310716, MONDO:0014917, OMIM 617106.
Episodic ataxia type 2 (EA2). Also called: CEREBELLAR ATAXIA, PAROXYSMAL, ACETAZOLAMIDE-RESPONSIVE; CEREBELLOPATHY, HEREDITARY PAROXYSMAL; EPISODIC ATAXIA, NYSTAGMUS-ASSOCIATED; ACETAZOLAMIDE-RESPONSIVE HEREDITARY PAROXYSMAL CEREBELLAR ATAXIA; ATAXIA, EPISODIC, WITH NYSTAGMUS; ATAXIA, FAMILIAL PAROXYSMAL. Identifiers: Orphanet 97, MedGen C1720416, MONDO:0007163, OMIM 108500.

Submission:

Labcorp Genetics (formerly Invitae), Labcorp
Classification: Uncertain significance for Developmental and epileptic encephalopathy, 42; Episodic ataxia type 2. Last evaluated: 2019-07-24. Review status: criteria provided, single submitter. Criteria: Invitae Variant Classification Sherloc (09022015). Collection method: clinical testing. Allele origin: germline.
Comment: This variant has not been reported in the literature in individuals with CACNA1A-related conditions. In summary, the available evidence is currently insufficient to determine the role of this variant in disease. Therefore, it has been classified as a Variant of Uncertain Significance. Algorithms developed to predict the effect of missense changes on protein structure and function (SIFT, PolyPhen-2, Align-GVGD) all suggest that this variant is likely to be tolerated, but these predictions have not been confirmed by published functional studies and their clinical significance is uncertain. This variant is not present in population databases (ExAC no frequency). This sequence change replaces histidine with glutamine at codon 2081 of the CACNA1A protein (p.His2081Gln). The histidine residue is weakly conserved and there is a small physicochemical difference between histidine and glutamine.